The following is an entry in ClinVar:

ClinVar aggregate classification (germline): Uncertain significance. Review status: criteria provided, multiple submitters, no conflicts (2 of 4 stars). 2 submissions from 2 submitters: Uncertain significance (2). Last evaluated 2024-05-20.

Conditions:
Muscular dystrophy-dystroglycanopathy (congenital with brain and eye anomalies), type a, 8 (MDDGA8). Also called: WALKER-WARBURG SYNDROME OR MUSCLE-EYE-BRAIN DISEASE, GTDC2-RELATED. Identifiers: Orphanet 899, MedGen C3553813, MONDO:0013904, OMIM 614830.
Inborn genetic diseases. Identifiers: MedGen C0950123, MeSH D030342.

Allele frequency attached by ClinVar (database versions not stated): TOPMed 0.00001; gnomAD 0.00002 and 0.00003; gnomAD exomes 0.00005 and 0.00009; ExAC 0.00008.
gnomAD v4.1: 74 of 1,614,214 alleles (0.0046%); highest among the groups gnomAD compares: South Asian, 0.052%; no homozygotes.

Submissions (2):

Ambry Genetics
Classification: Uncertain significance for Inborn genetic diseases. Last evaluated: 2024-05-20. Review status: criteria provided, single submitter. Criteria: Ambry Variant Classification Scheme 2023. Collection method: clinical testing. Allele origin: germline.

Labcorp Genetics (formerly Invitae), Labcorp
Classification: Uncertain significance for Muscular dystrophy-dystroglycanopathy (congenital with brain and eye anomalies), type a, 8. Last evaluated: 2022-08-09. Review status: criteria provided, single submitter. Criteria: Invitae Variant Classification Sherloc (09022015). Collection method: clinical testing. Allele origin: germline.
Comment: This sequence change replaces alanine, which is neutral and non-polar, with serine, which is neutral and polar, at codon 137 of the POMGNT2 protein (p.Ala137Ser). This variant is present in population databases (rs760916035, gnomAD 0.05%). This variant has not been reported in the literature in individuals affected with POMGNT2-related conditions. ClinVar contains an entry for this variant (Variation ID: 540492). Algorithms developed to predict the effect of missense changes on protein structure and function are either unavailable or do not agree on the potential impact of this missense change (SIFT: "Deleterious"; PolyPhen-2: "Benign"; Align-GVGD: "Class C65"). In summary, the available evidence is currently insufficient to determine the role of this variant in disease. Therefore, it has been classified as a Variant of Uncertain Significance.

NM_032806.6(POMGNT2):c.409G>T (p.Ala137Ser)

Gene: POMGNT2 (protein O-linked mannose N-acetylglucosaminyltransferase 2 (beta 1,4-); minus strand). Cytogenetic location: 3p22.1.
Variant type: single nucleotide variant.
Coding change: c.409G>T on transcript NM_032806.6 (MANE Select); coding-DNA position 409, G replaced by T.
Protein change: p.Ala137Ser; replaces alanine 137 with serine.
Molecular consequence: missense variant.
Genome position (GRCh38, 1-based): chr3:43,081,023, C>A on the plus strand (G>T on the coding strand, the complement: POMGNT2 is on the minus strand). VCF-style: chr3-43081023-C-A. GRCh37 (hg19) VCF-style: chr3-43122515-C-A.
Other names: c.409G>T (NM_032806.4); short protein forms A137S.
Identifiers: ClinVar variation 540492 (VCV000540492.3), dbSNP rs760916035, ClinGen allele CA2340089.